The following is an entry in ClinVar:

ClinVar aggregate classification (germline): Uncertain significance (1 of 4 stars; one submission).

Allele frequency attached by ClinVar (database versions not stated): gnomAD exomes below 0.00001; TOPMed below 0.00001.
gnomAD v4.1: 2 of 1,602,270 alleles (0.00012%); highest among the groups gnomAD compares: East Asian, 0.0022%; no homozygotes.

Submission:

Labcorp Genetics (formerly Invitae), Labcorp
Classification: Uncertain significance. Last evaluated: 2022-07-11. Review status: criteria provided, single submitter. Criteria: Invitae Variant Classification Sherloc (09022015). Collection method: clinical testing. Allele origin: germline.
Comment: This sequence change replaces methionine, which is neutral and non-polar, with threonine, which is neutral and polar, at codon 2 of the RBP3 protein (p.Met2Thr). This variant is present in population databases (no rsID available, gnomAD 0.006%). This variant has not been reported in the literature in individuals affected with RBP3-related conditions. ClinVar contains an entry for this variant (Variation ID: 1009522). Algorithms developed to predict the effect of missense changes on protein structure and function output the following: SIFT: "Tolerated"; PolyPhen-2: "Benign"; Align-GVGD: "Class C0". The threonine amino acid residue is found in multiple mammalian species, which suggests that this missense change does not adversely affect protein function. In summary, the available evidence is currently insufficient to determine the role of this variant in disease. Therefore, it has been classified as a Variant of Uncertain Significance.

NM_002900.3(RBP3):c.5T>C (p.Met2Thr)

Gene: RBP3 (retinol binding protein 3; plus strand). Cytogenetic location: 10q11.22.
Variant type: single nucleotide variant.
Coding change: c.5T>C on transcript NM_002900.3 (MANE Select); coding-DNA position 5, T replaced by C.
Protein change: p.Met2Thr; replaces methionine 2 with threonine.
Molecular consequence: missense variant.
Genome position (GRCh38, 1-based): chr10:47,348,489, T>C. VCF-style: chr10-47348489-T-C. GRCh37 (hg19) VCF-style: chr10-48390873-A-G.
Other names: short protein forms M2T.
Identifiers: ClinVar variation 1009522 (VCV001009522.10), dbSNP rs927364838, ClinGen allele CA206459371.
Genomic context (GRCh38, chr10:47,348,489, plus strand): 5'-CTTGCACACAGTCCAGGGAGCTTTTGTGCAGGAGCCAGGCCTCCCCCTGGGTCCCCATGA[T>C]GAGAGAATGGGTTCTGCTCATGTCCGTGCTGCTCTGTGGCCTGGCTGGCCCCACACACCT-3'
Protein context (NP_002891.1, residues 1-12): M[Met2Thr]REWVLLMSVL